The following is an entry in ClinVar:

ClinVar aggregate classification (germline): Likely pathogenic. Review status: criteria provided, single submitter (1 of 4 stars). 2 submissions from 2 submitters: Likely pathogenic (1). 1 of the submissions does not count toward it. Last evaluated 2023-10-13.

Conditions:
INO80-related immunodeficiency.
Primary microcephaly. Also called: Congenital microcephaly. Identifiers: MedGen C2677180, HP:0011451.
Intellectual disability. Also called: Intellectual functioning disability; intellectual disabilities; Intellectual developmental disorder. Identifiers: MedGen C3714756, MeSH D008607, MONDO:0001071, HP:0001249.
Seizure. Also called: Seizures. Identifiers: MedGen C0036572, HP:0001250.

Allele frequency attached by ClinVar (database versions not stated): gnomAD exomes 0.00002 and 0.00001; TOPMed 0.00002; gnomAD 0.00004; ExAC 0.00002.
gnomAD v4.1: 20 of 1,613,764 alleles (0.0012%); highest among the groups gnomAD compares: African/African-American, 0.013%; no homozygotes.

Submissions (2):

3billion
Classification: Likely pathogenic for INO80-related immunodeficiency. Last evaluated: 2023-10-13. Review status: criteria provided, single submitter. Criteria: ACMG Guidelines, 2015. Collection method: clinical testing. Allele origin: germline. Affected: yes.
Comment: The variant is observed at an extremely low frequency in the gnomAD v2.1.1 dataset (total allele frequency: 0.002%). Predicted Consequence/Location: Missense changes are a common disease-causing mechanism. In silico tool predictions suggest damaging effect of the variant on gene or gene product [REVEL: 0.89 (>=0.6, sensitivity 0.68 and specificity 0.92)]. Same nucleotide change resulting in same amino acid change has been previously reported to be associated with INO80 related disorder (ClinVar ID: VCV000183321 /PMID: 25558065).The variant has been reported to be in trans with a pathogenic variant as either compound heterozygous or homozygous in at least one similarly affected unrelated individual (PMID: 25558065). Therefore, this variant is classified as Likely pathogenic according to the recommendation of ACMG/AMP guideline.

Genomic Medicine Center of Excellence, King Faisal Specialist Hospital and Research Centre
Classification: Likely pathogenic for Intellectual disability; Epilepsy; Primary microcephaly. Last evaluated: 2014-12-01. Review status: no assertion criteria provided. Criteria: research. Collection method: research. Allele origin: germline. Affected: yes. Not counted in ClinVar's aggregate classification.

Literature cited by the submitters: PubMed 25558065 (cited by 3billion and Genomic Medicine Center of Excellence, King Faisal Specialist Hospital and Research Centre).

NM_017553.3(INO80):c.1501T>C (p.Ser501Pro)

Gene: INO80 (INO80 complex ATPase subunit; minus strand). Cytogenetic location: 15q15.1.
Variant type: single nucleotide variant.
Coding change: c.1501T>C on transcript NM_017553.3 (MANE Select); coding-DNA position 1501, T replaced by C.
Protein change: p.Ser501Pro; replaces serine 501 with proline.
Molecular consequence: missense variant. On other transcripts: non-coding transcript variant (1).
Genome position (GRCh38, 1-based): chr15:41,071,953, A>G on the plus strand (T>C on the coding strand, the complement: INO80 is on the minus strand). VCF-style: chr15-41071953-A-G. GRCh37 (hg19) VCF-style: chr15-41364151-A-G.
Other names: short protein forms S501P.
Identifiers: ClinVar variation 183321 (VCV000183321.2), dbSNP rs730882226, ClinGen allele CA249949.